The following is an entry in ClinVar:

ClinVar aggregate classification (germline): Uncertain significance (1 of 4 stars; one submission).

Conditions:
Left ventricular noncompaction 1 (LVNC1). Also called: LEFT VENTRICULAR NONCOMPACTION 1 WITH OR WITHOUT CONGENITAL HEART DEFECTS. Identifiers: Orphanet 54260, MedGen C1858725, MONDO:0011403, OMIM 604169.

Allele frequency attached by ClinVar (database versions not stated): gnomAD exomes below 0.00001; TOPMed below 0.00001.
gnomAD v4.1: 2 of 1,613,582 alleles (0.00012%); highest among the groups gnomAD compares: African/African-American, 0.0013%; no homozygotes.

Submission:

Labcorp Genetics (formerly Invitae), Labcorp
Classification: Uncertain significance for Left ventricular noncompaction 1. Last evaluated: 2022-08-24. Review status: criteria provided, single submitter. Criteria: Invitae Variant Classification Sherloc (09022015). Collection method: clinical testing. Allele origin: germline.
Comment: This variant is present in population databases (rs760519361, gnomAD 0.0009%). This sequence change replaces glutamic acid, which is acidic and polar, with lysine, which is basic and polar, at codon 122 of the DTNA protein (p.Glu122Lys). This variant has not been reported in the literature in individuals affected with DTNA-related conditions. In summary, the available evidence is currently insufficient to determine the role of this variant in disease. Therefore, it has been classified as a Variant of Uncertain Significance. Algorithms developed to predict the effect of missense changes on protein structure and function are either unavailable or do not agree on the potential impact of this missense change (SIFT: "Deleterious"; PolyPhen-2: "Possibly Damaging"; Align-GVGD: "Class C0").

NM_001386795.1(DTNA):c.364G>A (p.Glu122Lys)

Gene: DTNA (dystrobrevin alpha; plus strand). Cytogenetic location: 18q12.1.
Variant type: single nucleotide variant.
Coding change: c.364G>A on transcript NM_001386795.1 (MANE Select); coding-DNA position 364, G replaced by A.
Protein change: p.Glu122Lys; replaces glutamic acid 122 with lysine.
Molecular consequence: missense variant.
Genome position (GRCh38, 1-based): chr18:34,806,220, G>A. VCF-style: chr18-34806220-G-A. GRCh37 (hg19) VCF-style: chr18-32386184-G-A.
Other names: c.364G>A, p.Glu122Lys (NM_001128175.2, NM_001198938.2, NM_001198939.2 and 35 more transcripts); short protein forms E122K.
Identifiers: ClinVar variation 2159097 (VCV002159097.4), dbSNP rs760519361, ClinGen allele CA8935375.